The following is an entry in ClinVar:

ClinVar aggregate classification (germline): Benign. Review status: criteria provided, multiple submitters, no conflicts (2 of 4 stars). 9 submissions from 9 submitters: Benign (7). 2 of the submissions do not count toward it. Last evaluated 2024-11-27.

Conditions:
Joubert syndrome 15 (JBTS15). Identifiers: Orphanet 475, MedGen C3280897, MONDO:0013763, OMIM 614464.

Allele frequency attached by ClinVar (database versions not stated): ESP Exome Variant Server 0.37137; gnomAD 0.39010 and 0.39994; TOPMed 0.40769; gnomAD exomes 0.42448 and 0.45768; ExAC 0.44928; 1000 Genomes Project 30x 0.47611; 1000 Genomes Project 0.47863.
gnomAD v4.1: 681,311 of 1,611,662 alleles (42%); highest among the groups gnomAD compares: East Asian, 67%; 148,038 homozygotes.

Submissions (9):

Blueprint Genetics
Classification: Benign. Last evaluated: 2024-11-27. Review status: criteria provided, single submitter. Criteria: ACMG Guidelines, 2015. Collection method: clinical testing. Allele origin: germline.

Mayo Clinic Laboratories, Mayo Clinic
Classification: Benign. Last evaluated: 2022-03-09. Review status: criteria provided, single submitter. Criteria: ACMG Guidelines, 2015. Collection method: clinical testing. Allele origin: germline. Observed: 49 variant alleles.

Genome-Nilou Lab
Classification: Benign for Joubert syndrome 15. Last evaluated: 2021-07-22. Review status: criteria provided, single submitter. Criteria: ACMG Guidelines, 2015. Collection method: clinical testing. Allele origin: germline. Affected: no.

Illumina Laboratory Services, Illumina
Classification: Benign for Joubert syndrome 15. Last evaluated: 2018-01-13. Review status: criteria provided, single submitter. Criteria: ICSL Variant Classification Criteria 13 December 2019. Collection method: clinical testing. Allele origin: germline.
Comment: This variant was observed in the ICSL laboratory as part of a predisposition screen in an ostensibly healthy population. It had not been previously curated by ICSL or reported in the Human Gene Mutation Database (HGMD: prior to June 1st, 2018), and was therefore a candidate for classification through an automated scoring system. Utilizing variant allele frequency, disease prevalence and penetrance estimates, and inheritance mode, an automated score was calculated to assess if this variant is too frequent to cause the disease. Based on the score and internal cut-off values, a variant classified as benign is not then subjected to further curation. The score for this variant resulted in a classification of benign for this disease.

GeneDx
Classification: Benign. Last evaluated: 2015-03-03. Review status: criteria provided, single submitter. Criteria: GeneDx Variant Classification Process June 2021. Collection method: clinical testing. Allele origin: germline. Affected: yes.

Breakthrough Genomics
Classification: Benign. Review status: criteria provided, single submitter. Criteria: ACMG Guidelines, 2015. Collection method: not provided. Allele origin: germline. Inheritance: Autosomal recessive inheritance. Affected: yes.

PreventionGenetics, part of Exact Sciences
Classification: Benign. Review status: criteria provided, single submitter. Criteria: ACMG Guidelines, 2015. Collection method: clinical testing. Allele origin: germline.

Clinical Genetics DNA and cytogenetics Diagnostics Lab, Erasmus MC, Erasmus Medical Center
Classification: Benign. Review status: no assertion criteria provided. Collection method: clinical testing. Allele origin: germline. Affected: yes. Study: VKGL Data-share Consensus. Not counted in ClinVar's aggregate classification.

Diagnostic Laboratory, Department of Genetics, University Medical Center Groningen
Classification: Benign. Review status: no assertion criteria provided. Collection method: clinical testing. Allele origin: germline. Affected: yes. Study: VKGL Data-share Consensus. Not counted in ClinVar's aggregate classification.

NM_018718.3(CEP41):c.-5A>C

Gene: CEP41 (centrosomal protein 41; minus strand). Cytogenetic location: 7q32.2.
Variant type: single nucleotide variant.
Coding change: c.-5A>C on transcript NM_018718.3 (MANE Select); 5 bases upstream of the start codon, A replaced by C.
Molecular consequence: 5 prime UTR variant. On other transcripts: non-coding transcript variant (1).
Genome position (GRCh38, 1-based): chr7:130,440,971, T>G on the plus strand (A>C on the coding strand, the complement: CEP41 is on the minus strand). VCF-style: chr7-130440971-T-G. GRCh37 (hg19) VCF-style: chr7-130080812-T-G.
Other names: c.-5A>C (NM_001257158.2, NM_001257159.2, NM_001257160.2).
Identifiers: ClinVar variation 261053 (VCV000261053.19), dbSNP rs2287371, ClinGen allele CA4485758.